The following is an entry in ClinVar:

ClinVar aggregate classification (germline): Uncertain significance (1 of 4 stars; one submission).

Conditions:
Arrhythmogenic cardiomyopathy with wooly hair and keratoderma. Also called: PALMOPLANTAR KERATODERMA WITH LEFT VENTRICULAR CARDIOMYOPATHY AND WOOLLY HAIR; Carvajal syndrome; Dilated cardiomyopathy with woolly hair and keratoderma; Arrhythmogenic cardiomyopathy with woolly hair and keratoderma. Identifiers: Orphanet 65282, MedGen C1854063, MONDO:0011581, OMIM 605676.

Submission:

All of Us Research Program, National Institutes of Health
Classification: Uncertain significance for Arrhythmogenic cardiomyopathy with wooly hair and keratoderma. Last evaluated: 2023-12-13. Review status: criteria provided, single submitter. Criteria: ACMG Guidelines, 2015. Collection method: clinical testing. Allele origin: germline. Inheritance: Autosomal dominant inheritance. Observed: 1 variant allele, 1 heterozygote.
Comment: This missense variant replaces alanine with serine at codon 1622 of the DSP protein. Computational prediction suggests that this variant may not impact protein structure and function (internally defined REVEL score threshold <= 0.5, PMID: 27666373). To our knowledge, functional studies have not been reported for this variant. This variant has not been reported in individuals affected with DSP-related disorders in the literature. This variant has not been identified in the general population by the Genome Aggregation Database (gnomAD). The available evidence is insufficient to determine the role of this variant in disease conclusively. Therefore, this variant is classified as a Variant of Uncertain Significance.

This study involves interpretation of variants in research participants for the purpose of population health screening. Participant phenotype was not available at the time of variant classification. Additional details can be found in publication PMID: 35346344, PMCID: PMC8962531

NM_004415.4(DSP):c.4864G>T (p.Ala1622Ser)

Gene: DSP (desmoplakin; plus strand). Cytogenetic location: 6p24.3.
Variant type: single nucleotide variant.
Coding change: c.4864G>T on transcript NM_004415.4 (MANE Select); coding-DNA position 4864, G replaced by T.
Protein change: p.Ala1622Ser; replaces alanine 1622 with serine.
Molecular consequence: missense variant. On other transcripts: intron variant (2).
Genome position (GRCh38, 1-based): chr6:7,581,054, G>T. VCF-style: chr6-7581054-G-T. GRCh37 (hg19) VCF-style: chr6-7581287-G-T.
Other names: c.4050+814G>T (NM_001319034.2); c.3582+1282G>T (NM_001008844.3); short protein forms A1622S.
Identifiers: ClinVar variation 3074845 (VCV003074845.1), dbSNP rs1759421011, ClinGen allele CA362687329.
Genomic context (GRCh38, chr6:7,581,054, plus strand): 5'-AGGAGGTCGCTGAAGGAGCAAGCCATCAAAATCACCAACCTGACCCAGCAGCTGGAGCAG[G>T]CATCCATTGTTAAGAAGAGGAGTGAGGATGACCTCCGGCAGCAGAGGGACGTGCTGGATG-3'
Protein context (NP_004406.2, residues 1612-1632): ITNLTQQLEQ[Ala1622Ser]SIVKKRSEDD